The following is an entry in ClinVar:

NM_014319.5(LEMD3):c.685G>T (p.Glu229Ter)

Gene: LEMD3 (LEM domain containing 3; plus strand). Cytogenetic location: 12q14.3.
Variant type: single nucleotide variant.
Coding change: c.685G>T on transcript NM_014319.5 (MANE Select); coding-DNA position 685, G replaced by T.
Protein change: p.Glu229Ter; replaces glutamic acid 229 with a stop codon.
Molecular consequence: nonsense.
Genome position (GRCh38, 1-based): chr12:65,170,281, G>T. VCF-style: chr12-65170281-G-T. GRCh37 (hg19) VCF-style: chr12-65564061-G-T.
Other names: c.685G>T, p.Glu229Ter (NM_001167614.2); short protein forms E229*.
Identifiers: ClinVar variation 2730543 (VCV002730543.3), dbSNP rs765156027, ClinGen allele CA385673741.

ClinVar aggregate classification (germline): Pathogenic (1 of 4 stars; one submission).

Submission:

Labcorp Genetics (formerly Invitae), Labcorp
Classification: Pathogenic. Last evaluated: 2023-10-06. Review status: criteria provided, single submitter. Criteria: Invitae Variant Classification Sherloc (09022015). Collection method: clinical testing. Allele origin: germline.
Comment: This sequence change creates a premature translational stop signal (p.Glu229*) in the LEMD3 gene. It is expected to result in an absent or disrupted protein product. Loss-of-function variants in LEMD3 are known to be pathogenic (PMID: 15489854, 19438932). This variant is not present in population databases (gnomAD no frequency). This variant has not been reported in the literature in individuals affected with LEMD3-related conditions. Algorithms developed to predict the effect of sequence changes on RNA splicing suggest that this variant may create or strengthen a splice site. For these reasons, this variant has been classified as Pathogenic.

Literature cited by the submitters: PubMed 15489854; PubMed 19438932.